The following is an entry in ClinVar:

NM_000518.4(HBB):c.44T>C (p.Leu15Pro)

Genes: HBB (hemoglobin subunit beta; minus strand), LOC106099062 (HBB recombination region; plus strand), LOC107133510 (origin of replication at HBB; plus strand). Cytogenetic location: 11p15.4.
Variant type: single nucleotide variant.
Coding change: c.44T>C on transcript NM_000518.4; coding-DNA position 44, T replaced by C.
Protein change: p.Leu15Pro; replaces leucine 15 with proline.
Molecular consequence: missense variant (on NM_000518.5).
Genome position (GRCh38, 1-based): chr11:5,226,978, A>G on the plus strand (T>C on the coding strand, the complement: HBB is on the minus strand). VCF-style: chr11-5226978-A-G. GRCh37 (hg19) VCF-style: chr11-5248208-A-G.
Other names: L14P; c.44T>C, p.Leu15Pro (NM_000518.5); short protein forms L15P.
Identifiers: ClinVar variation 15341 (VCV000015341.18), dbSNP rs33935445, ClinGen allele CA125145.

ClinVar aggregate classification (germline): Uncertain significance. Review status: criteria provided, multiple submitters, no conflicts (2 of 4 stars). 6 submissions from 6 submitters: Uncertain significance (4). 2 of the submissions do not count toward it. Last evaluated 2025-07-29.

Conditions:
Hb SS disease (SCD). Also called: Hemoglobin SS; Sickle cell anemia; Sickle cell disease; HbS disease; Hemoglobin S Disease; Sickling disorder due to hemoglobin S. Identifiers: Orphanet 232, Orphanet 275752, MedGen C0002895, MONDO:0011382, OMIM 603903.
Heinz body anemia. Also called: Heinz body hemolytic anemia. Identifiers: Orphanet 178330, MedGen C0700299, MONDO:0007705, OMIM 140700, HP:0005511.
alpha Thalassemia. Also called: Alpha thalassemia spectrum. Identifiers: Orphanet 846, MedGen C0002312, MONDO:0011399, OMIM 604131.
Dominant beta-thalassemia. Also called: Beta-thalassemia, dominant inclusion body type. Identifiers: Orphanet 231226, Orphanet 848, MedGen C1858990, MONDO:0011381, OMIM 603902.
Beta-thalassemia HBB/LCRB. Identifiers: MedGen CN322236, MONDO:0013517, OMIM 613985.
Erythrocytosis, familial, 6. Also called: POLYCYTHEMIA, BETA-GLOBIN TYPE; ERYTHROCYTOSIS, BETA-GLOBIN TYPE. Identifiers: MedGen C4693822, MONDO:0054801, OMIM 617980.
METHEMOGLOBINEMIA, BETA TYPE. Also called: Methemoglobinemia, beta-globin type. Identifiers: MedGen C1840779, OMIM 617971.
Malaria, susceptibility to. Identifiers: Orphanet 673, MedGen C1970028, MONDO:0021024, OMIM 611162.
Hereditary persistence of fetal hemoglobin. Identifiers: MedGen C0019025, MONDO:0020989, OMIM 141749.
beta Thalassemia (BTHAL). Also called: Cooley's anemia; Erythroblastic anemia; Mediterranean anemia. Identifiers: Orphanet 848, MedGen C0005283, MONDO:0019402. Disease mechanism: loss of function.
HEMOGLOBIN SAKI.

Allele frequency attached by ClinVar (database versions not stated): gnomAD 0.00001.
gnomAD v4.1: 6 of 1,613,368 alleles (0.00037%); highest among the groups gnomAD compares: Non-Finnish European, 0.00042%; no homozygotes.

Submissions (6):

ARUP Laboratories, Molecular Genetics and Genomics, ARUP Laboratories
Classification: Uncertain significance. Last evaluated: 2025-07-29. Review status: criteria provided, single submitter. Criteria: ARUP Molecular Germline Variant Investigation Process 2024. Collection method: clinical testing. Allele origin: germline.
Comment: The Hb Saki variant (HBB: c.44T>C; p.Leu15Pro, also known as Leu14Pro when numbered from the mature protein, rs33935445, HbVarID: 244, ClinVar Variation ID: 15341) is reported in the literature in multiple clinically healthy heterozygous individuals, including in the presence of Hb S (see link to HbVar and references therein). This variant has also been reported in the compound heterozygous state with an unspecified variant in an individual with beta-thalassemia intermedia (HbVar). This variant does not separate from Hb A during electrophoresis and is reported as unstable, but with normal oxygen affinity, Bohr effect, and cooperativity (HbVar). This variant is absent from the Genome Aggregation Database, indicating it is not a common polymorphism. Computational analyses predict that this variant is deleterious (REVEL: 0.822). Due to limited information, the clinical significance of the p.Leu15Pro variant is uncertain at this time. References: Link to HbVar database

Quest Diagnostics Nichols Institute San Juan Capistrano
Classification: Uncertain significance. Last evaluated: 2024-08-23. Review status: criteria provided, single submitter. Criteria: Quest Diagnostics criteria. Collection method: clinical testing. Allele origin: unknown.
Comment: The HBB c.44T>C (p.Leu15Pro) variant (also known as Hb Saki) has been reported to be unstable, with normal clinical presentation in heterozygotes (PMID: 998617 (1976), and HbVar). The frequency of this variant in the general population, 0.0000066 (1/152206 chromosomes (Genome Aggregation Database)), is uninformative in the assessment of its pathogenicity. Analysis of this variant using bioinformatics tools for the prediction of the effect of amino acid changes on protein structure and function yielded predictions that this variant is damaging. Based on the available information, we are unable to determine the clinical significance of this variant.

Fulgent Genetics
Classification: Uncertain significance for Heinz body anemia; Hereditary persistence of fetal hemoglobin; Dominant beta-thalassemia; Hb SS disease; alpha Thalassemia; Malaria, susceptibility to; Beta-thalassemia HBB/LCRB; METHEMOGLOBINEMIA, BETA TYPE; Erythrocytosis, familial, 6. Last evaluated: 2022-04-23. Review status: criteria provided, single submitter. Criteria: ACMG Guidelines, 2015. Collection method: clinical testing. Allele origin: unknown.

Women's Health and Genetics/Laboratory Corporation of America, LabCorp
Classification: Uncertain significance. Last evaluated: 2021-05-25. Review status: criteria provided, single submitter. Criteria: LabCorp Variant Classification Summary - May 2015. Collection method: clinical testing. Allele origin: germline.
Comment: Variant summary: HBB c.44T>C (p.Leu15Pro) results in a non-conservative amino acid change located in the Globin domain (IPR000971) of the encoded protein sequence. This variant is also known in the literature as Hb-Saki. Five of five in-silico tools predict a damaging effect of the variant on protein function. The variant was absent in 251236 control chromosomes. c.44T>C has been reported in the literature in at least 2 families (e.g. Milner_1976, Beuzard_1975). At least 2 heterozygous individuals with the variant had no clinical symptoms reported, while a patient with the variant in compound heterozygosity with an unspecified mutation had a history of anemia, enlarged spleen, and an episode of severe hemolysis (e.g. Milner_1976). Evaluation of red cells from individuals with the variant showed mild instability (e.g. Milner_1976). Two other ClinVar submitters (evaluation after 2014) cited the variant as uncertain significance (n=1) and "other" (n=1). Based on the evidence outlined above, the variant was classified as VUS-possibly pathogenic.

Natera, Inc.
Classification: Uncertain significance for Beta thalassemia. Last evaluated: 2019-02-21. Review status: no assertion criteria provided. Collection method: clinical testing. Allele origin: germline. Not counted in ClinVar's aggregate classification.

OMIM
Classification: other for HEMOGLOBIN SAKI. Last evaluated: 2017-12-12. Review status: no assertion criteria provided. Collection method: literature only. Allele origin: germline. Not counted in ClinVar's aggregate classification.

Literature cited by the submitters: PubMed 237566 (cited by 3 submitters); PubMed 19429541 (cited by Quest Diagnostics Nichols Institute San Juan Capistrano and Women's Health and Genetics/Laboratory Corporation of America, LabCorp); PubMed 998617 (cited by Quest Diagnostics Nichols Institute San Juan Capistrano and Women's Health and Genetics/Laboratory Corporation of America, LabCorp); PubMed 21423179 (cited by Women's Health and Genetics/Laboratory Corporation of America, LabCorp); PubMed 29365076 (cited by Women's Health and Genetics/Laboratory Corporation of America, LabCorp); PubMed 5481775 (cited by OMIM).